The following is an entry in ClinVar:

ClinVar aggregate classification (germline): Uncertain significance. Review status: criteria provided, multiple submitters, no conflicts (2 of 4 stars). 2 submissions from 2 submitters: Uncertain significance (2). Last evaluated 2025-02-06.

Conditions:
Fanconi anemia (FA). Also called: Fanconi's anemia. Identifiers: Orphanet 84, MedGen C0015625, MeSH D005199, MONDO:0019391.

Allele frequency attached by ClinVar (database versions not stated): gnomAD exomes below 0.00001.
gnomAD v4.1: 2 of 1,613,126 alleles (0.00012%); highest among the groups gnomAD compares: Admixed American, 0.0033%; no homozygotes.

Submissions (2):

Labcorp Genetics (formerly Invitae), Labcorp
Classification: Uncertain significance for Fanconi anemia. Last evaluated: 2025-02-06. Review status: criteria provided, single submitter. Criteria: Invitae Variant Classification Sherloc (09022015). Collection method: clinical testing. Allele origin: germline.
Comment: This sequence change replaces threonine, which is neutral and polar, with asparagine, which is neutral and polar, at codon 303 of the FANCM protein (p.Thr303Asn). This variant is present in population databases (no rsID available, gnomAD 0.003%). This variant has not been reported in the literature in individuals affected with FANCM-related conditions. ClinVar contains an entry for this variant (Variation ID: 971658). An algorithm developed to predict the effect of missense changes on protein structure and function (PolyPhen-2) suggests that this variant is likely to be tolerated. In summary, the available evidence is currently insufficient to determine the role of this variant in disease. Therefore, it has been classified as a Variant of Uncertain Significance.

Quest Diagnostics Nichols Institute San Juan Capistrano
Classification: Uncertain significance. Last evaluated: 2022-12-09. Review status: criteria provided, single submitter. Criteria: Quest Diagnostics criteria. Collection method: clinical testing. Allele origin: unknown.
Comment: The variant has not been reported in the published literature. The frequency of this variant in the general population, 0.000004 (1/251202 chromosomes), is uninformative in assessment of its pathogenicity. Analysis of this variant using bioinformatics tools for the prediction of the effect of amino acid changes on protein structure and function yielded predictions that this variant is benign. Based on the available information, we are unable to determine the clinical significance of this variant.

NM_020937.4(FANCM):c.908C>A (p.Thr303Asn)

Gene: FANCM (FA complementation group M; plus strand). Cytogenetic location: 14q21.2.
Variant type: single nucleotide variant.
Coding change: c.908C>A on transcript NM_020937.4 (MANE Select); coding-DNA position 908, C replaced by A.
Protein change: p.Thr303Asn; replaces threonine 303 with asparagine.
Molecular consequence: missense variant.
Genome position (GRCh38, 1-based): chr14:45,148,985, C>A. VCF-style: chr14-45148985-C-A. GRCh37 (hg19) VCF-style: chr14-45618188-C-A.
Other names: c.830C>A, p.Thr277Asn (NM_001308133.2); c.908C>A, p.Thr303Asn (NM_001308134.2); c.908C>A (NM_020937.3); short protein forms T277N, T303N.
Identifiers: ClinVar variation 971658 (VCV000971658.10), dbSNP rs980293400, ClinGen allele CA259612819.